The following is an entry in ClinVar:

NM_001375808.2(LPIN2):c.1151C>T (p.Ser384Leu)

Gene: LPIN2 (lipin 2; minus strand). Cytogenetic location: 18p11.31.
Variant type: single nucleotide variant.
Coding change: c.1151C>T on transcript NM_001375808.2 (MANE Select); coding-DNA position 1151, C replaced by T.
Protein change: p.Ser384Leu; replaces serine 384 with leucine.
Molecular consequence: missense variant.
Genome position (GRCh38, 1-based): chr18:2,937,709, G>A on the plus strand (C>T on the coding strand, the complement: LPIN2 is on the minus strand). VCF-style: chr18-2937709-G-A. GRCh37 (hg19) VCF-style: chr18-2937707-G-A.
Other names: c.1151C>T, p.Ser384Leu (NM_001375809.1, NM_014646.2); short protein forms S384L.
Identifiers: ClinVar variation 644956 (VCV000644956.17), dbSNP rs765616457, ClinGen allele CA8873200.
Genomic context (GRCh38, chr18:2,937,709, plus strand): 5'-TCTAATTTGAGAGTACCTGGAGCCAAATTAAACAAACGATTACCTTTCTTCTTTGACGGC[G>A]AGTCTACTTTAGCTGCCGGTTTGGATTCTGAGGGCGCCTCCGCTAAGGCTGCGTTGGGAA-3'
Protein context (NP_001362737.1, residues 374-394): SESKPAAKVD[Ser384Leu]PSKKKGVHKR

ClinVar aggregate classification (germline): Uncertain significance. Review status: criteria provided, multiple submitters, no conflicts (2 of 4 stars). 3 submissions from 3 submitters: Uncertain significance (3). Last evaluated 2024-11-22.

Conditions:
Majeed syndrome (MJDS). Also called: LPIN2-Related Majeed Syndrome; CHRONIC RECURRENT MULTIFOCAL OSTEOMYELITIS 1, WITH CONGENITAL DYSERYTHROPOIETIC ANEMIA, WITH OR WITHOUT NEUTROPHILIC DERMATOSIS. Identifiers: Orphanet 77297, MedGen C1864997, MONDO:0012316, OMIM 609628.

Allele frequency attached by ClinVar (database versions not stated): ExAC 0.00001; gnomAD exomes 0.00001 and 0.00002; TOPMed 0.00002; gnomAD 0.00003.
gnomAD v4.1: 16 of 1,613,976 alleles (0.00099%); highest among the groups gnomAD compares: Admixed American, 0.0033%; no homozygotes.

Submissions (3):

Blueprint Genetics
Classification: Uncertain significance. Last evaluated: 2024-11-22. Review status: criteria provided, single submitter. Criteria: ACMG Guidelines, 2015. Collection method: clinical testing. Allele origin: germline.

Labcorp Genetics (formerly Invitae), Labcorp
Classification: Uncertain significance for Majeed syndrome. Last evaluated: 2023-10-13. Review status: criteria provided, single submitter. Criteria: Invitae Variant Classification Sherloc (09022015). Collection method: clinical testing. Allele origin: germline.
Comment: This sequence change replaces serine, which is neutral and polar, with leucine, which is neutral and non-polar, at codon 384 of the LPIN2 protein (p.Ser384Leu). The frequency data for this variant in the population databases is considered unreliable, as metrics indicate poor data quality at this position in the gnomAD database. This variant has not been reported in the literature in individuals affected with LPIN2-related conditions. ClinVar contains an entry for this variant (Variation ID: 644956). Advanced modeling of protein sequence and biophysical properties (such as structural, functional, and spatial information, amino acid conservation, physicochemical variation, residue mobility, and thermodynamic stability) performed at Invitae indicates that this missense variant is not expected to disrupt LPIN2 protein function. In summary, the available evidence is currently insufficient to determine the role of this variant in disease. Therefore, it has been classified as a Variant of Uncertain Significance.

ARUP Laboratories, Molecular Genetics and Genomics, ARUP Laboratories
Classification: Uncertain significance for Majeed syndrome. Last evaluated: 2019-10-21. Review status: criteria provided, single submitter. Criteria: ARUP Molecular Germline Variant Investigation Process. Collection method: clinical testing. Allele origin: germline.
Comment: The LPIN2 c.1151C>T; p.Ser384Leu variant (rs765616457), to our knowledge, is not reported in the medical literature or gene specific databases. This variant is described in the ClinVar database (Variation ID: 644956) and is found in the general population with an overall allele frequency of 0.002% (5/282,752 alleles) in the Genome Aggregation Database. The serine at codon 384 is moderately conserved and computational analyses (SIFT, PolyPhen-2) predict that this variant is deleterious. Due to limited information, the clinical significance of the p.Ser384Leu variant is uncertain at this time.